The following is an entry in ClinVar:

ClinVar aggregate classification (germline): Likely pathogenic (1 of 4 stars; one submission).

Submission:

CeGaT Center for Human Genetics Tuebingen
Classification: Likely pathogenic. Last evaluated: 2024-11-01. Review status: criteria provided, single submitter. Criteria: CeGaT Center For Human Genetics Tuebingen Variant Classification Criteria Version 2. Collection method: clinical testing. Allele origin: germline. Affected: yes. Observed: 1 variant allele.
Comment: ATP2B1: PVS1:Strong, PM2

NM_001366521.1(ATP2B1):c.1829+1G>A

Gene: ATP2B1 (ATPase plasma membrane Ca2+ transporting 1; minus strand). Cytogenetic location: 12q21.33.
Variant type: single nucleotide variant.
Coding change: c.1829+1G>A on transcript NM_001366521.1 (MANE Select); the canonical splice donor site of the intron after coding-DNA position 1829, G replaced by A.
Molecular consequence: splice donor variant.
Genome position (GRCh38, 1-based): chr12:89,619,998, C>T on the plus strand (G>A on the coding strand, the complement: ATP2B1 is on the minus strand). VCF-style: chr12-89619998-C-T. GRCh37 (hg19) VCF-style: chr12-90013775-C-T.
Other names: c.1631+1G>A (NM_001413053.1, NM_001366530.1); c.1268+1G>A (NM_001413060.1, NM_001366531.1, NM_001413058.1 and 2 more transcripts); c.1574+1G>A (NM_001413056.1); c.1688+1G>A (NM_001413051.1, NM_001413055.1, NM_001413052.1); c.1790+1G>A (NM_001413048.1); c.1586+1G>A (NM_001413054.1); c.1829+1G>A (NM_001413050.1, NM_001366529.1, NM_001366528.1 and 12 more transcripts); c.1376+1G>A (NM_001413057.1).
Identifiers: ClinVar variation 3390221 (VCV003390221.14).
Genomic context (GRCh38, chr12:89,619,998, plus strand): 5'-GTAGATACTCCATAAAGCAACTATAGTCAGCAATTTATTCATCCAAGCATTTTACTCTTA[C>T]TTTTTCAGAATTATCTCAGATGCACCCTTGCTGAATATTCGATAACTTCCATCTGAATTT-3'